The following is an entry in ClinVar:

ClinVar aggregate classification (germline): Likely benign (1 of 4 stars; one submission).

Allele frequency attached by ClinVar (database versions not stated): gnomAD exomes below 0.00001.
gnomAD v4.1: 1 of 1,611,496 alleles (0.000062%); highest among the groups gnomAD compares: African/African-American, 0.0013%; no homozygotes.

Submission:

GeneDx
Classification: Likely benign. Last evaluated: 2017-12-28. Review status: criteria provided, single submitter. Criteria: GeneDx Variant Classification (06012015). Collection method: clinical testing. Allele origin: germline. Affected: yes.
Comment: This variant is considered likely benign or benign based on one or more of the following criteria: it is a conservative change, it occurs at a poorly conserved position in the protein, it is predicted to be benign by multiple in silico algorithms, and/or has population frequency not consistent with disease.

NM_002693.3(POLG):c.1950-11T>C

Genes: POLG (DNA polymerase gamma, catalytic subunit; minus strand), POLGARF (POLG alternative reading frame; minus strand). Cytogenetic location: 15q26.1.
Variant type: single nucleotide variant.
Coding change: c.1950-11T>C on transcript NM_002693.3 (MANE Select); 11 bases into the intron before coding-DNA position 1950, T replaced by C.
Molecular consequence: intron variant.
Genome position (GRCh38, 1-based): chr15:89,324,238, A>G on the plus strand (T>C on the coding strand, the complement: POLG is on the minus strand). VCF-style: chr15-89324238-A-G. GRCh37 (hg19) VCF-style: chr15-89867469-A-G.
Other names: c.1950-11T>C (NM_001126131.2).
Identifiers: ClinVar variation 514296 (VCV000514296.1), dbSNP rs1285620593, ClinGen allele CA619857362.